The following is an entry in ClinVar:

NM_001267550.2(TTN):c.76970del (p.Lys25657fs)

Genes: TTN (titin; minus strand), TTN-AS1 (TTN antisense RNA 1; plus strand). Cytogenetic location: 2q31.2.
Variant type: Deletion.
Coding change: c.76970del on transcript NM_001267550.2 (MANE Select); coding-DNA position 76970, one base deleted (A; older notation c.76970delA).
Protein change: p.Lys25657fs; shifts the reading frame from lysine 25657.
Molecular consequence: frameshift variant.
Genome position (GRCh38, 1-based): chr2:178,569,162, T deleted on the plus strand (A on the coding strand, the reverse complement: TTN is on the minus strand); the first of 2 consecutive T bases (chr2:178,569,162-178,569,163); deleting either gives the same sequence. VCF-style (leftmost placement, unchanged base first): chr2-178569161-CT-C. GRCh37 (hg19) VCF-style: chr2-179433888-CT-C.
Other names: c.72047del, p.Lys24016fs (NM_001256850.1); c.49775del, p.Lys16592fs (NM_003319.4); c.69266del, p.Lys23089fs (NM_133378.4); c.50150del, p.Lys16717fs (NM_133432.3); c.50351del, p.Lys16784fs (NM_133437.4); short protein forms K16784fs, K24016fs, K23089fs, K16592fs, K16717fs, K25657fs.
Identifiers: ClinVar variation 2018908 (VCV002018908.4), dbSNP rs2468393445, ClinGen allele CA2580064821.
Genomic context (GRCh38, chr2:178,569,161, plus strand): 5'-AGCTGTGACTCTAAAGTAATAACTGCAACCTTCTTGGAGCTGATCGATTTTCCAAGAATT[CT>C]TATGGCAGTTAGTTACAACAGCAGCATATGATTTTCTTGTGGCTTCACGTTTCTCAACAA-3'

ClinVar aggregate classification (germline): Likely pathogenic (1 of 4 stars; one submission).

Conditions:
Autosomal recessive limb-girdle muscular dystrophy type 2J (LGMDR10). Also called: Limb-girdle muscular dystrophy, type 2J; MUSCULAR DYSTROPHY, LIMB-GIRDLE, AUTOSOMAL RECESSIVE 10. Identifiers: Orphanet 140922, MedGen C1837342, MONDO:0012127, OMIM 608807.
Dilated cardiomyopathy 1G (CMD1G). Identifiers: Orphanet 154, MedGen C1858763, MONDO:0011400, OMIM 604145.

Submission:

Labcorp Genetics (formerly Invitae), Labcorp
Classification: Likely pathogenic for Dilated cardiomyopathy 1G; Autosomal recessive limb-girdle muscular dystrophy type 2J. Last evaluated: 2022-09-27. Review status: criteria provided, single submitter. Criteria: Invitae Variant Classification Sherloc (09022015). Collection method: clinical testing. Allele origin: germline.
Comment: In summary, the currently available evidence indicates that the variant is pathogenic, but additional data are needed to prove that conclusively. Therefore, this variant has been classified as Likely Pathogenic. This variant is located in the A band of TTN (PMID: 25589632). Truncating variants in this region are significantly overrepresented in patients affected with dilated cardiomyopathy (PMID: 25589632). Truncating variants in this region have also been reported in individuals affected with autosomal recessive centronuclear myopathy (PMID: 23975875). This variant has not been reported in the literature in individuals affected with TTN-related conditions. This variant is not present in population databases (gnomAD no frequency). This sequence change creates a premature translational stop signal (p.Lys25657Argfs*49) in the TTN gene. While this is not anticipated to result in nonsense mediated decay, it is expected to create a truncated TTN protein.

Literature cited by the submitters: PubMed 25589632; PubMed 23975875.